The following is an entry in ClinVar:

NM_006876.3(B4GAT1):c.952G>A (p.Val318Met)

Gene: B4GAT1 (beta-1,4-glucuronyltransferase 1; minus strand). Cytogenetic location: 11q13.2.
Variant type: single nucleotide variant.
Coding change: c.952G>A on transcript NM_006876.3 (MANE Select); coding-DNA position 952, G replaced by A.
Protein change: p.Val318Met; replaces valine 318 with methionine.
Molecular consequence: missense variant.
Genome position (GRCh38, 1-based): chr11:66,346,594, C>T on the plus strand (G>A on the coding strand, the complement: B4GAT1 is on the minus strand). VCF-style: chr11-66346594-C-T. GRCh37 (hg19) VCF-style: chr11-66114065-C-T.
Other names: c.952G>A (NM_006876.2); short protein forms V318M.
Identifiers: ClinVar variation 1064288 (VCV001064288.3), dbSNP rs1008736415, ClinGen allele CA224043442.

ClinVar aggregate classification (germline): Uncertain significance. Review status: criteria provided, multiple submitters, no conflicts (2 of 4 stars). 2 submissions from 2 submitters: Uncertain significance (2). Last evaluated 2023-02-03.

Conditions:
Muscular dystrophy-dystroglycanopathy (congenital with brain and eye anomalies), type A13. Also called: WALKER-WARBURG SYNDROME OR MUSCLE-EYE-BRAIN DISEASE, B3GNT1-RELATED; Muscular dystrophy-dystroglycanopathy (congenital with brain and eye anomalies), type a, 13. Identifiers: Orphanet 899, MedGen C3809042, MONDO:0014120, OMIM 615287.
B4GAT1-related disorder. Also called: B4GAT1-related condition.

Allele frequency attached by ClinVar (database versions not stated): gnomAD 0.00001; gnomAD exomes 0.00001; TOPMed 0.00001.

Submissions (2):

PreventionGenetics, part of Exact Sciences
Classification: Uncertain significance for B4GAT1-related condition. Last evaluated: 2023-02-03. Review status: criteria provided, single submitter. Criteria: ACMG Guidelines, 2015. Collection method: clinical testing. Allele origin: germline.
Comment: The B4GAT1 c.952G>A variant is predicted to result in the amino acid substitution p.Val318Met. To our knowledge, this variant has not been reported in the literature. This variant is reported in 0.0026% of alleles in individuals of European (Non-Finnish) descent in gnomAD. At this time, the clinical significance of this variant is uncertain due to the absence of conclusive functional and genetic evidence.

Labcorp Genetics (formerly Invitae), Labcorp
Classification: Uncertain significance for Muscular dystrophy-dystroglycanopathy (congenital with brain and eye anomalies), type A13. Last evaluated: 2021-12-03. Review status: criteria provided, single submitter. Criteria: Invitae Variant Classification Sherloc (09022015). Collection method: clinical testing. Allele origin: germline.
Comment: This sequence change replaces valine, which is neutral and non-polar, with methionine, which is neutral and non-polar, at codon 318 of the B4GAT1 protein (p.Val318Met). This variant is present in population databases (no rsID available, gnomAD 0.003%). This variant has not been reported in the literature in individuals affected with B4GAT1-related conditions. ClinVar contains an entry for this variant (Variation ID: 1064288). Algorithms developed to predict the effect of missense changes on protein structure and function are either unavailable or do not agree on the potential impact of this missense change (SIFT: "Tolerated"; PolyPhen-2: "Possibly Damaging"; Align-GVGD: "Class C0"). In summary, the available evidence is currently insufficient to determine the role of this variant in disease. Therefore, it has been classified as a Variant of Uncertain Significance.